The following is an entry in ClinVar:

ClinVar aggregate classification (germline): Uncertain significance (1 of 4 stars; one submission).

Conditions:
Gorlin syndrome. Also called: Nevoid Basal Cell Carcinoma Syndrome; Basal cell nevus syndrome. Identifiers: Orphanet 377, MedGen C0004779, MONDO:0007187.

Submission:

Labcorp Genetics (formerly Invitae), Labcorp
Classification: Uncertain significance for Gorlin syndrome. Last evaluated: 2018-04-17. Review status: criteria provided, single submitter. Criteria: Invitae Variant Classification Sherloc (09022015). Collection method: clinical testing. Allele origin: germline.
Comment: In summary, the available evidence is currently insufficient to determine the role of this variant in disease. Therefore, it has been classified as a Variant of Uncertain Significance. Algorithms developed to predict the effect of sequence changes on RNA splicing suggest that this variant may create or strengthen a splice site, but this prediction has not been confirmed by published transcriptional studies. Algorithms developed to predict the effect of missense changes on protein structure and function do not agree on the potential impact of this missense change (SIFT: "Deleterious"; PolyPhen-2: "Benign"; Align-GVGD: "Class C0"). This variant has not been reported in the literature in individuals with PTCH1-related disease. This variant is not present in population databases (ExAC no frequency). This sequence change replaces leucine with valine at codon 664 of the PTCH1 protein (p.Leu664Val). The leucine residue is moderately conserved and there is a small physicochemical difference between leucine and valine.

NM_000264.5(PTCH1):c.1990C>G (p.Leu664Val)

Genes: PTCH1 (patched 1; minus strand), LOC100507346 (uncharacterized LOC100507346; plus strand). Cytogenetic location: 9q22.32.
Variant type: single nucleotide variant.
Coding change: c.1990C>G on transcript NM_000264.5 (MANE Select); coding-DNA position 1990, C replaced by G.
Protein change: p.Leu664Val; replaces leucine 664 with valine.
Molecular consequence: missense variant. On other transcripts: non-coding transcript variant (2).
Genome position (GRCh38, 1-based): chr9:95,469,011, G>C on the plus strand (C>G on the coding strand, the complement: PTCH1 is on the minus strand). VCF-style: chr9-95469011-G-C. GRCh37 (hg19) VCF-style: chr9-98231293-G-C.
Other names: c.1792C>G, p.Leu598Val (NM_001083602.3); c.1987C>G, p.Leu663Val (NM_001083603.3); c.1537C>G, p.Leu513Val (NM_001083604.3, NM_001083605.3, NM_001083606.3 and 1 more transcripts); c.1834C>G, p.Leu612Val (NM_001354918.2); short protein forms L598V, L664V, L513V, L612V, L663V.
Identifiers: ClinVar variation 565693 (VCV000565693.9), dbSNP rs1564033840, ClinGen allele CA374115888.